The following is an entry in ClinVar:

NM_015057.5(MYCBP2):c.12379A>G (p.Thr4127Ala)

Gene: MYCBP2 (MYC binding protein 2; minus strand). Cytogenetic location: 13q22.3.
Variant type: single nucleotide variant.
Coding change: c.12379A>G on transcript NM_015057.5 (MANE Select); coding-DNA position 12379, A replaced by G.
Protein change: p.Thr4127Ala; replaces threonine 4127 with alanine.
Molecular consequence: missense variant.
Genome position (GRCh38, 1-based): chr13:77,067,657, T>C on the plus strand (A>G on the coding strand, the complement: MYCBP2 is on the minus strand). VCF-style: chr13-77067657-T-C. GRCh37 (hg19) VCF-style: chr13-77641792-T-C.
Other names: short protein forms T4127A.
Identifiers: ClinVar variation 3057308 (VCV003057308.2), dbSNP rs142034972, ClinGen allele CA7007916.
Genomic context (GRCh38, chr13:77,067,657, plus strand): 5'-TCGGAAGAGTAACTGTTGTAACTCCTTTGCCCACAGTGGTACCAGCTGTTCCAGTGATGG[T>C]GGTTCCTTTGGCTTTTAGCTGTACAGTGAGTGCTTTGGCAATGCATCCTAGAAACATGTC-3'
Protein context (NP_055872.4, residues 4117-4137): LTVQLKAKGT[Thr4127Ala]ITGTAGTTVG

ClinVar aggregate classification (germline): Likely benign (0 of 4 stars; one submission).

Conditions:
MYCBP2-related disorder. Also called: MYCBP2-related condition.

Allele frequency attached by ClinVar (database versions not stated): TOPMed 0.00025; 1000 Genomes Project 30x 0.00031; ExAC 0.00047; gnomAD 0.00010; gnomAD exomes 0.00012.
gnomAD v4.1: 186 of 1,614,190 alleles (0.012%); highest among the groups gnomAD compares: Admixed American, 0.3%; 2 homozygotes.

Submission:

PreventionGenetics, part of Exact Sciences
Classification: Likely benign for MYCBP2-related condition. Last evaluated: 2023-05-15. Review status: no assertion criteria provided. Collection method: clinical testing. Allele origin: germline.
Comment: This variant is classified as likely benign based on ACMG/AMP sequence variant interpretation guidelines (Richards et al. 2015 PMID: 25741868, with internal and published modifications).